The following is an entry in ClinVar:

ClinVar aggregate classification (germline): Benign. Review status: criteria provided, multiple submitters, no conflicts (2 of 4 stars). 2 submissions from 2 submitters: Benign (2). Last evaluated 2018-06-14.

Allele frequency attached by ClinVar (database versions not stated): gnomAD exomes 0.03396; gnomAD 0.12025 and 0.12556; TOPMed 0.13368; 1000 Genomes Project 0.15595; 1000 Genomes Project 30x 0.15990.
gnomAD v4.1: 48,821 of 1,029,096 alleles (4.7%); highest among the groups gnomAD compares: African/African-American, 35%; 4,400 homozygotes.

Submissions (2):

GeneDx
Classification: Benign. Last evaluated: 2018-06-14. Review status: criteria provided, single submitter. Criteria: GeneDx Variant Classification (06012015). Collection method: clinical testing. Allele origin: germline. Affected: yes.
Comment: This variant is considered likely benign or benign based on one or more of the following criteria: it is a conservative change, it occurs at a poorly conserved position in the protein, it is predicted to be benign by multiple in silico algorithms, and/or has population frequency not consistent with disease.

Breakthrough Genomics
Classification: Benign. Review status: criteria provided, single submitter. Criteria: ACMG Guidelines, 2015. Collection method: not provided. Allele origin: germline. Inheritance: Autosomal recessive inheritance. Affected: yes.

NM_000090.4(COL3A1):c.1608+114A>C

Gene: COL3A1 (collagen type III alpha 1 chain; plus strand). Cytogenetic location: 2q32.2.
Variant type: single nucleotide variant.
Coding change: c.1608+114A>C on transcript NM_000090.4 (MANE Select); 114 bases into the intron after coding-DNA position 1608, A replaced by C.
Molecular consequence: intron variant.
Genome position (GRCh38, 1-based): chr2:188,995,904, A>C. VCF-style: chr2-188995904-A-C. GRCh37 (hg19) VCF-style: chr2-189860630-A-C.
Identifiers: ClinVar variation 675246 (VCV000675246.2), dbSNP rs13306267, ClinGen allele CA62597064.